The following is an entry in ClinVar:

ClinVar aggregate classification (germline): Uncertain significance. Review status: criteria provided, multiple submitters, no conflicts (2 of 4 stars). 2 submissions from 2 submitters: Uncertain significance (2). Last evaluated 2025-07-03.

Conditions:
Idiopathic Pulmonary Fibrosis. Also called: Idiopathic fibrosing alveolitis, chronic form; idiopathic fibrosing alveolitis. Identifiers: Orphanet 2032, MedGen C1800706, MeSH D054990, MONDO:0800504.
Dyskeratosis congenita, autosomal dominant 2. Identifiers: MedGen C3151443, MONDO:0013521, OMIM 613989.
Dyskeratosis congenita. Identifiers: Orphanet 1775, MedGen C0265965, MONDO:0015780.

Allele frequency attached by ClinVar (database versions not stated): gnomAD exomes below 0.00001; TOPMed below 0.00001.
gnomAD v4.1: 5 of 1,594,174 alleles (0.00031%); highest among the groups gnomAD compares: Non-Finnish European, 0.00042%; no homozygotes.

Submissions (2):

Ambry Genetics
Classification: Uncertain significance for Dyskeratosis congenita. Last evaluated: 2025-07-03. Review status: criteria provided, single submitter. Criteria: Ambry Variant Classification Scheme 2023. Collection method: clinical testing. Allele origin: germline.
Comment: The p.W203S variant (also known as c.608G>C), located in coding exon 2 of the TERT gene, results from a G to C substitution at nucleotide position 608. The tryptophan at codon 203 is replaced by serine, an amino acid with highly dissimilar properties. This amino acid position is not well conserved in available vertebrate species. In addition, this alteration is predicted to be tolerated by in silico analysis. Based on the available evidence, the clinical significance of this variant remains unclear.

Labcorp Genetics (formerly Invitae), Labcorp
Classification: Uncertain significance for Dyskeratosis congenita, autosomal dominant 2; Idiopathic Pulmonary Fibrosis. Last evaluated: 2022-09-29. Review status: criteria provided, single submitter. Criteria: Invitae Variant Classification Sherloc (09022015). Collection method: clinical testing. Allele origin: germline.
Comment: This sequence change replaces tryptophan, which is neutral and slightly polar, with serine, which is neutral and polar, at codon 203 of the TERT protein (p.Trp203Ser). This variant is not present in population databases (gnomAD no frequency). This variant has not been reported in the literature in individuals affected with TERT-related conditions. ClinVar contains an entry for this variant (Variation ID: 1036994). Algorithms developed to predict the effect of missense changes on protein structure and function (SIFT, PolyPhen-2, Align-GVGD) all suggest that this variant is likely to be tolerated. In summary, the available evidence is currently insufficient to determine the role of this variant in disease. Therefore, it has been classified as a Variant of Uncertain Significance.

NM_198253.3(TERT):c.608G>C (p.Trp203Ser)

Gene: TERT (telomerase reverse transcriptase; minus strand). Cytogenetic location: 5p15.33.
Variant type: single nucleotide variant.
Coding change: c.608G>C on transcript NM_198253.3 (MANE Select); coding-DNA position 608, G replaced by C.
Protein change: p.Trp203Ser; replaces tryptophan 203 with serine.
Molecular consequence: missense variant. On other transcripts: non-coding transcript variant (2).
Genome position (GRCh38, 1-based): chr5:1,294,278, C>G on the plus strand (G>C on the coding strand, the complement: TERT is on the minus strand). VCF-style: chr5-1294278-C-G. GRCh37 (hg19) VCF-style: chr5-1294393-C-G.
Other names: c.608G>C (NM_198253.2); c.608G>C, p.Trp203Ser (NM_001193376.3); short protein forms W203S.
Identifiers: ClinVar variation 1036994 (VCV001036994.5), dbSNP rs1751227721, ClinGen allele CA359057194.
Genomic context (GRCh38, chr5:1,294,278, plus strand): 5'-CTCCTCGCACCCGGGGCTGGCAGGCCCAGGGGGACCCCGGCCTCCCTGACGCTATGGTTC[C>G]AGGCCCGTTCGCATCCCAGACGCCTTCGGGGTCCACTAGCGTGTGGCGGGGGCCGGGCCT-3'
Protein context (NP_937983.2, residues 193-213): PRRRLGCERA[Trp203Ser]NHSVREAGVP